The following is an entry in ClinVar:

NM_006766.5(KAT6A):c.2809A>G (p.Lys937Glu)

Gene: KAT6A (lysine acetyltransferase 6A; minus strand). Cytogenetic location: 8p11.21.
Variant type: single nucleotide variant.
Coding change: c.2809A>G on transcript NM_006766.5 (MANE Select); coding-DNA position 2809, A replaced by G.
Protein change: p.Lys937Glu; replaces lysine 937 with glutamic acid.
Molecular consequence: missense variant.
Genome position (GRCh38, 1-based): chr8:41,941,072, T>C on the plus strand (A>G on the coding strand, the complement: KAT6A is on the minus strand). VCF-style: chr8-41941072-T-C. GRCh37 (hg19) VCF-style: chr8-41798590-T-C.
Other names: short protein forms K937E.
Identifiers: ClinVar variation 2662373 (VCV002662373.1), dbSNP rs2486771176, ClinGen allele CA371071613.
Genomic context (GRCh38, chr8:41,941,072, plus strand): 5'-CCTCAGGGCTTTTCTTGAGCTGTCCTCGCCAGGGCTCAACCCCCTCACTGAGTCTTCTCT[T>C]GGGAAGGTCAGGTTTCCCGTCCTGGCTTGGCTGCTCCTCAGAAGCCACCAGCTGTTCTTC-3'
Protein context (NP_006757.2, residues 927-947): PSQDGKPDLP[Lys937Glu]RRLSEGVEPW

ClinVar aggregate classification (germline): Uncertain significance (1 of 4 stars; one submission).

Submission:

GeneDx
Classification: Uncertain significance. Last evaluated: 2023-05-19. Review status: criteria provided, single submitter. Criteria: GeneDx Variant Classification Process June 2021. Collection method: clinical testing. Allele origin: germline. Affected: yes.
Comment: Not observed at significant frequency in large population cohorts (gnomAD); In silico analysis supports that this missense variant does not alter protein structure/function; Has not been previously published as pathogenic or benign to our knowledge